The following is an entry in ClinVar:

ClinVar aggregate classification (germline): Benign/Likely benign. Review status: criteria provided, multiple submitters, no conflicts (2 of 4 stars). 9 submissions from 9 submitters: Benign (3); Likely benign (4). 2 of the submissions do not count toward it. Last evaluated 2026-02-01.

Conditions:
Epilepsy, childhood absence, susceptibility to, 6. Identifiers: Orphanet 64280, MedGen C2749872, MONDO:0012763, OMIM 611942.
Hyperaldosteronism, familial, type IV (HALD4). Also called: FH IV; ALDOSTERONISM, PRIMARY, AND HYPERTENSION. Identifiers: Orphanet 642671, MedGen C4310756, MONDO:0014875, OMIM 617027.
Idiopathic generalized epilepsy. Also called: EIG; Generalised epilepsy. Identifiers: MedGen C0270850, MONDO:0005579, OMIM 600669.

Allele frequency attached by ClinVar (database versions not stated): 1000 Genomes Project 30x 0.00078; 1000 Genomes Project 0.00080; gnomAD 0.00169 and 0.00171; TOPMed 0.00190; gnomAD exomes 0.00200 and 0.00254; ESP Exome Variant Server 0.00230; ExAC 0.00302.
gnomAD v4.1: 3,648 of 1,494,686 alleles (0.24%); highest among the groups gnomAD compares: Middle Eastern, 0.37%; 8 homozygotes.

Submissions (9):

CeGaT Center for Human Genetics Tuebingen
Classification: Likely benign. Last evaluated: 2026-02-01. Review status: criteria provided, single submitter. Criteria: CeGaT Center For Human Genetics Tuebingen Variant Classification Criteria Version 2. Collection method: clinical testing. Allele origin: germline. Affected: yes. Observed: 3 variant alleles.
Comment: CACNA1H: BP4, BP7

Labcorp Genetics (formerly Invitae), Labcorp
Classification: Benign for Idiopathic generalized epilepsy; Hyperaldosteronism, familial, type IV. Last evaluated: 2025-12-19. Review status: criteria provided, single submitter. Criteria: Invitae Variant Classification Sherloc (09022015). Collection method: clinical testing. Allele origin: germline.

Mayo Clinic Laboratories, Mayo Clinic
Classification: Likely benign. Last evaluated: 2024-12-11. Review status: criteria provided, single submitter. Criteria: ACMG Guidelines, 2015. Collection method: clinical testing. Allele origin: germline. Observed: 3 variant alleles.
Comment: BS1, BP4, BP7

Blueprint Genetics
Classification: Likely benign. Last evaluated: 2024-11-26. Review status: criteria provided, single submitter. Criteria: ACMG Guidelines, 2015. Collection method: clinical testing. Allele origin: germline.

Fulgent Genetics
Classification: Likely benign for Epilepsy, childhood absence, susceptibility to, 6; Hyperaldosteronism, familial, type IV. Last evaluated: 2021-08-12. Review status: criteria provided, single submitter. Criteria: ACMG Guidelines, 2015. Collection method: clinical testing. Allele origin: unknown.

Athena Diagnostics
Classification: Benign. Last evaluated: 2017-12-11. Review status: criteria provided, single submitter. Criteria: Athena Diagnostics Criteria. Collection method: clinical testing. Allele origin: germline.

Breakthrough Genomics
Classification: Benign. Review status: criteria provided, single submitter. Criteria: ACMG Guidelines, 2015. Collection method: not provided. Allele origin: germline. Inheritance: Autosomal dominant inheritance. Affected: yes.

Clinical Genetics DNA and cytogenetics Diagnostics Lab, Erasmus MC, Erasmus Medical Center
Classification: Likely benign. Review status: no assertion criteria provided. Collection method: clinical testing. Allele origin: germline. Affected: yes. Study: VKGL Data-share Consensus. Not counted in ClinVar's aggregate classification.

Genome Diagnostics Laboratory, University Medical Center Utrecht
Classification: Likely benign. Review status: no assertion criteria provided. Collection method: clinical testing. Allele origin: germline. Affected: yes. Study: VKGL Data-share Consensus. Not counted in ClinVar's aggregate classification.

NM_021098.3(CACNA1H):c.6195C>T (p.Ala2065=)

Gene: CACNA1H (calcium voltage-gated channel subunit alpha1 H; plus strand). Cytogenetic location: 16p13.3.
Variant type: single nucleotide variant.
Coding change: c.6195C>T on transcript NM_021098.3 (MANE Select); coding-DNA position 6195, C replaced by T.
Protein change: p.Ala2065=; no amino-acid change (alanine 2065 retained).
Molecular consequence: synonymous variant.
Genome position (GRCh38, 1-based): chr16:1,220,127, C>T. VCF-style: chr16-1220127-C-T. GRCh37 (hg19) VCF-style: chr16-1270127-C-T.
Other names: p.Ala2065=; c.6177C>T, p.Ala2059= (NM_001005407.2).
Identifiers: ClinVar variation 460160 (VCV000460160.42), dbSNP rs375589233, ClinGen allele CA7802260.